The following is an entry in ClinVar:

NM_001377.3(DYNC2H1):c.9354-121G>C

Gene: DYNC2H1 (dynein cytoplasmic 2 heavy chain 1; plus strand). Cytogenetic location: 11q22.3.
Variant type: single nucleotide variant.
Coding change: c.9354-121G>C on transcript NM_001377.3 (MANE Select); 121 bases into the intron before coding-DNA position 9354, G replaced by C.
Molecular consequence: intron variant.
Genome position (GRCh38, 1-based): chr11:103,231,139, G>C. VCF-style: chr11-103231139-G-C. GRCh37 (hg19) VCF-style: chr11-103101868-G-C.
Other names: c.9354-121G>C (NM_001080463.2).
Identifiers: ClinVar variation 667748 (VCV000667748.2), dbSNP rs667819, ClinGen allele CA13469006.
Genomic context (GRCh38, chr11:103,231,139, plus strand): 5'-GGTCAGAGGAAACACTTCTAATTTTAGCGTTGCTTTTCAAATTAAATTCTAAGTAAAGGT[G>C]TTATAATACTGAGTTACTGACAGTTTTAATTGTCATATGATTACATTTTAAGGTGCTGCT-3'

ClinVar aggregate classification (germline): Benign. Review status: criteria provided, multiple submitters, no conflicts (2 of 4 stars). 2 submissions from 2 submitters: Benign (2). Last evaluated 2018-06-14.

Allele frequency attached by ClinVar (database versions not stated): 1000 Genomes Project 0.57109; 1000 Genomes Project 30x 0.57136; gnomAD 0.59915 and 0.59971; TOPMed 0.60247; gnomAD exomes 0.61324.
gnomAD v4.1: 312,917 of 513,908 alleles (61%); highest among the groups gnomAD compares: Admixed American, 70%; 96,253 homozygotes.

Submissions (2):

GeneDx
Classification: Benign. Last evaluated: 2018-06-14. Review status: criteria provided, single submitter. Criteria: GeneDx Variant Classification (06012015). Collection method: clinical testing. Allele origin: germline. Affected: yes.
Comment: This variant is considered likely benign or benign based on one or more of the following criteria: it is a conservative change, it occurs at a poorly conserved position in the protein, it is predicted to be benign by multiple in silico algorithms, and/or has population frequency not consistent with disease.

Breakthrough Genomics
Classification: Benign. Review status: criteria provided, single submitter. Criteria: ACMG Guidelines, 2015. Collection method: not provided. Allele origin: germline. Inheritance: Autosomal recessive inheritance. Affected: yes.